The following is an entry in ClinVar:

ClinVar aggregate classification (germline): Benign (0 of 4 stars; one submission).

Conditions:
BMP6-related disorder. Also called: BMP6-related condition.

Allele frequency attached by ClinVar (database versions not stated): TOPMed 0.00005; gnomAD 0.00034; gnomAD exomes 0.00058; 1000 Genomes Project 0.00160; ExAC 0.00182; 1000 Genomes Project 30x 0.00219.
gnomAD v4.1: 900 of 1,596,140 alleles (0.056%); highest among the groups gnomAD compares: South Asian, 0.93%; 8 homozygotes.

Submission:

PreventionGenetics, part of Exact Sciences
Classification: Benign for BMP6-related condition. Last evaluated: 2019-05-24. Review status: no assertion criteria provided. Collection method: clinical testing. Allele origin: germline.
Comment: This variant is classified as benign based on ACMG/AMP sequence variant interpretation guidelines (Richards et al. 2015 PMID: 25741868, with internal and published modifications).

NM_001718.6(BMP6):c.565G>A (p.Ala189Thr)

Gene: BMP6 (bone morphogenetic protein 6; plus strand). Cytogenetic location: 6p24.3.
Variant type: single nucleotide variant.
Coding change: c.565G>A on transcript NM_001718.6 (MANE Select); coding-DNA position 565, G replaced by A.
Protein change: p.Ala189Thr; replaces alanine 189 with threonine.
Molecular consequence: missense variant.
Genome position (GRCh38, 1-based): chr6:7,727,520, G>A. VCF-style: chr6-7727520-G-A. GRCh37 (hg19) VCF-style: chr6-7727753-G-A.
Other names: short protein forms A189T.
Identifiers: ClinVar variation 3038597 (VCV003038597.2), dbSNP rs531373129, ClinGen allele CA3628615.